The following is an entry in ClinVar:

NM_014140.4(SMARCAL1):c.2535G>C (p.Leu845=)

Gene: SMARCAL1 (SNF2 related chromatin remodeling annealing helicase 1; plus strand). Cytogenetic location: 2q35.
Variant type: single nucleotide variant.
Coding change: c.2535G>C on transcript NM_014140.4 (MANE Select); coding-DNA position 2535, G replaced by C.
Protein change: p.Leu845=; no amino-acid change (leucine 845 retained).
Molecular consequence: synonymous variant.
Genome position (GRCh38, 1-based): chr2:216,478,209, G>C. VCF-style: chr2-216478209-G-C. GRCh37 (hg19) VCF-style: chr2-217342932-G-C.
Other names: c.2535G>C, p.Leu845= (NM_001127207.2).
Identifiers: ClinVar variation 1932656 (VCV001932656.8), dbSNP rs777273652, ClinGen allele CA2098244.

ClinVar aggregate classification (germline): Conflicting classifications of pathogenicity. Review status: criteria provided, conflicting classifications (1 of 4 stars). 3 submissions from 3 submitters: Uncertain significance (1); Likely benign (1). 1 of the submissions does not count toward it. Last evaluated 2024-07-23.

Conditions:
SMARCAL1-related disorder. Also called: SMARCAL1-related condition.
Schimke immuno-osseous dysplasia (SIOD). Also called: Schimke Immunoosseous Dysplasia. Identifiers: Orphanet 1830, MedGen C0877024, MONDO:0009458, OMIM 242900.

Allele frequency attached by ClinVar (database versions not stated): TOPMed below 0.00001; ExAC 0.00001; gnomAD 0.00001.
gnomAD v4.1: 3 of 1,613,954 alleles (0.00019%); highest among the groups gnomAD compares: African/African-American, 0.0013%; no homozygotes.

Submissions (3):

Labcorp Genetics (formerly Invitae), Labcorp
Classification: Likely benign for Schimke immuno-osseous dysplasia. Last evaluated: 2024-07-23. Review status: criteria provided, single submitter. Criteria: Invitae Variant Classification Sherloc (09022015). Collection method: clinical testing. Allele origin: germline.

Fulgent Genetics
Classification: Uncertain significance for Schimke immuno-osseous dysplasia. Last evaluated: 2024-01-06. Review status: criteria provided, single submitter. Criteria: ACMG Guidelines, 2015. Collection method: clinical testing. Allele origin: germline.

PreventionGenetics, part of Exact Sciences
Classification: Likely benign for SMARCAL1-related condition. Last evaluated: 2021-01-11. Review status: no assertion criteria provided. Collection method: clinical testing. Allele origin: germline. Not counted in ClinVar's aggregate classification.
Comment: This variant is classified as likely benign based on ACMG/AMP sequence variant interpretation guidelines (Richards et al. 2015 PMID: 25741868, with internal and published modifications).